The following is an entry in ClinVar:

ClinVar aggregate classification (germline): Pathogenic. Review status: criteria provided, multiple submitters, no conflicts (2 of 4 stars). 3 submissions from 3 submitters: Pathogenic (3). Last evaluated 2023-12-13.

Conditions:
Recessive dystrophic epidermolysis bullosa (RDEB). Also called: DYSTROPHIC EPIDERMOLYSIS BULLOSA, AUTOSOMAL RECESSIVE; EPIDERMOLYSIS BULLOSA DYSTROPHICA, HALLOPEAU-SIEMENS TYPE; Hallopeau-Siemens Disease; Epidermolysis Bullosa Distrophica Autosomal Recessive (RDEB); severe generalized recessive dystrophic epidermolysis bullosa; EPIDERMOLYSIS BULLOSA DYSTROPHICA, GENERALIZED SEVERE, AUTOSOMAL RECESSIVE. Identifiers: Orphanet 79408, Orphanet 79409, MedGen C0079474, MONDO:0009179, OMIM 226600.

Submissions (3):

GeneDx
Classification: Pathogenic. Last evaluated: 2023-12-13. Review status: criteria provided, single submitter. Criteria: GeneDx Variant Classification Process June 2021. Collection method: clinical testing. Allele origin: germline. Affected: yes.
Comment: Frameshift variant predicted to result in protein truncation or nonsense mediated decay in a gene for which loss of function is a known mechanism of disease; Not observed at significant frequency in large population cohorts (gnomAD); This variant is associated with the following publications: (PMID: 22209565, 34435747, 35979658)

Center for Research in Genodermatoses and Epidermolysis Bullosa, University of Buenos Aires
Classification: Pathogenic for Recessive dystrophic epidermolysis bullosa. Last evaluated: 2022-03-14. Review status: criteria provided, single submitter. Criteria: ACMG Guidelines, 2015. Collection method: clinical testing. Allele origin: maternal. Affected: yes. Observed: 1 variant allele, 1 compound heterozygote.

Labcorp Genetics (formerly Invitae), Labcorp
Classification: Pathogenic. Last evaluated: 2021-11-15. Review status: criteria provided, single submitter. Criteria: Invitae Variant Classification Sherloc (09022015). Collection method: clinical testing. Allele origin: germline.
Comment: For these reasons, this variant has been classified as Pathogenic. This premature translational stop signal has been observed in individual(s) with autosomal recessive dystrophic epidermolysis bullosa (PMID: 22209565). This variant is not present in population databases (gnomAD no frequency). This sequence change creates a premature translational stop signal (p.Asp2570Thrfs*61) in the COL7A1 gene. It is expected to result in an absent or disrupted protein product. Loss-of-function variants in COL7A1 are known to be pathogenic (PMID: 16971478).

Literature cited by the submitters: PubMed 35979658 (cited by Center for Research in Genodermatoses and Epidermolysis Bullosa, University of Buenos Aires); PubMed 22209565 (cited by Center for Research in Genodermatoses and Epidermolysis Bullosa, University of Buenos Aires and Labcorp Genetics (formerly Invitae), Labcorp); PubMed 16971478 (cited by Labcorp Genetics (formerly Invitae), Labcorp).

NM_000094.4(COL7A1):c.7708del (p.Asp2570fs)

Gene: COL7A1 (collagen type VII alpha 1 chain; minus strand). Cytogenetic location: 3p21.31.
Variant type: Deletion.
Coding change: c.7708del on transcript NM_000094.4 (MANE Select); coding-DNA position 7708, one base deleted (G; older notation c.7708delG).
Protein change: p.Asp2570fs; shifts the reading frame from aspartic acid 2570.
Molecular consequence: frameshift variant.
Genome position (GRCh38, 1-based): chr3:48,568,834, C deleted on the plus strand (G on the coding strand, the reverse complement: COL7A1 is on the minus strand). VCF-style (leftmost placement, unchanged base first): chr3-48568833-TC-T. GRCh37 (hg19) VCF-style: chr3-48606266-TC-T.
Other names: short protein forms D2570fs.
Identifiers: ClinVar variation 1458598 (VCV001458598.27), dbSNP rs2107639823, ClinGen allele CA2573137116.